The following is an entry in ClinVar:

NM_000057.4(BLM):c.976G>A (p.Asp326Asn)

Gene: BLM (BLM RecQ like helicase; plus strand). Cytogenetic location: 15q26.1.
Variant type: single nucleotide variant.
Coding change: c.976G>A on transcript NM_000057.4 (MANE Select); coding-DNA position 976, G replaced by A.
Protein change: p.Asp326Asn; replaces aspartic acid 326 with asparagine.
Molecular consequence: missense variant. On other transcripts: 5 prime UTR variant (1).
Genome position (GRCh38, 1-based): chr15:90,754,827, G>A. VCF-style: chr15-90754827-G-A. GRCh37 (hg19) VCF-style: chr15-91298057-G-A.
Other names: c.976G>A, p.Asp326Asn (NM_001287246.2, NM_001287247.2); c.-316G>A (NM_001287248.2); short protein forms D326N.
Identifiers: ClinVar variation 1055771 (VCV001055771.10), dbSNP rs1013220474, ClinGen allele CA274731553.

ClinVar aggregate classification (germline): Uncertain significance. Review status: criteria provided, multiple submitters, no conflicts (2 of 4 stars). 3 submissions from 3 submitters: Uncertain significance (3). Last evaluated 2025-09-23.

Conditions:
Bloom syndrome (BLM). Also called: Bloom-Torre-Machacek syndrome. Identifiers: Orphanet 125, MedGen C0005859, MONDO:0008876, OMIM 210900.
Hereditary cancer-predisposing syndrome. Also called: Hereditary Cancer Syndrome; Tumor predisposition; Hereditary neoplastic syndrome; Neoplastic Syndromes, Hereditary. Identifiers: Orphanet 140162, MedGen C0027672, MeSH D009386, MONDO:0015356.

Allele frequency attached by ClinVar (database versions not stated): gnomAD exomes below 0.00001; TOPMed below 0.00001.
gnomAD v4.1: 1 of 1,613,778 alleles (0.000062%); highest among the groups gnomAD compares: Admixed American, 0.0017%; no homozygotes.

Submissions (3):

Labcorp Genetics (formerly Invitae), Labcorp
Classification: Uncertain significance for Bloom syndrome. Last evaluated: 2025-09-23. Review status: criteria provided, single submitter. Criteria: Invitae Variant Classification Sherloc (09022015). Collection method: clinical testing. Allele origin: germline.
Comment: This sequence change replaces aspartic acid, which is acidic and polar, with asparagine, which is neutral and polar, at codon 326 of the BLM protein (p.Asp326Asn). This variant is not present in population databases (gnomAD no frequency). This variant has not been reported in the literature in individuals affected with BLM-related conditions. ClinVar contains an entry for this variant (Variation ID: 1055771). Invitae Evidence Modeling of protein sequence and biophysical properties (such as structural, functional, and spatial information, amino acid conservation, physicochemical variation, residue mobility, and thermodynamic stability) indicates that this missense variant is not expected to disrupt BLM protein function with a negative predictive value of 80%. In summary, the available evidence is currently insufficient to determine the role of this variant in disease. Therefore, it has been classified as a Variant of Uncertain Significance.

Ambry Genetics
Classification: Uncertain significance for Hereditary cancer-predisposing syndrome. Last evaluated: 2023-12-30. Review status: criteria provided, single submitter. Criteria: Ambry Variant Classification Scheme 2023. Collection method: clinical testing. Allele origin: germline.
Comment: The p.D326N variant (also known as c.976G>A), located in coding exon 4 of the BLM gene, results from a G to A substitution at nucleotide position 976. The aspartic acid at codon 326 is replaced by asparagine, an amino acid with highly similar properties. This amino acid position is conserved. In addition, this alteration is predicted to be tolerated by in silico analysis. Since supporting evidence is limited at this time, the clinical significance of this alteration remains unclear.

Mendelics
Classification: Uncertain significance. Last evaluated: 2022-05-04. Review status: criteria provided, single submitter. Criteria: Mendelics Assertion Criteria 2019. Collection method: clinical testing. Allele origin: germline.